The following is an entry in ClinVar:

NM_006876.3(B4GAT1):c.984C>G (p.Phe328Leu)

Gene: B4GAT1 (beta-1,4-glucuronyltransferase 1; minus strand). Cytogenetic location: 11q13.2.
Variant type: single nucleotide variant.
Coding change: c.984C>G on transcript NM_006876.3 (MANE Select); coding-DNA position 984, C replaced by G.
Protein change: p.Phe328Leu; replaces phenylalanine 328 with leucine.
Molecular consequence: missense variant.
Genome position (GRCh38, 1-based): chr11:66,346,562, G>C on the plus strand (C>G on the coding strand, the complement: B4GAT1 is on the minus strand). VCF-style: chr11-66346562-G-C. GRCh37 (hg19) VCF-style: chr11-66114033-G-C.
Other names: short protein forms F328L.
Identifiers: ClinVar variation 664213 (VCV000664213.7), dbSNP rs368961025, ClinGen allele CA6120488.

ClinVar aggregate classification (germline): Uncertain significance. Review status: criteria provided, multiple submitters, no conflicts (2 of 4 stars). 2 submissions from 2 submitters: Uncertain significance (2). Last evaluated 2021-09-01.

Conditions:
Muscular dystrophy-dystroglycanopathy (congenital with brain and eye anomalies), type A13. Also called: WALKER-WARBURG SYNDROME OR MUSCLE-EYE-BRAIN DISEASE, B3GNT1-RELATED; Muscular dystrophy-dystroglycanopathy (congenital with brain and eye anomalies), type a, 13. Identifiers: Orphanet 899, MedGen C3809042, MONDO:0014120, OMIM 615287.

Allele frequency attached by ClinVar (database versions not stated): gnomAD 0.00001; TOPMed 0.00002.
gnomAD v4.1: 59 of 1,613,710 alleles (0.0037%); highest among the groups gnomAD compares: Non-Finnish European, 0.005%; no homozygotes.

Submissions (2):

Labcorp Genetics (formerly Invitae), Labcorp
Classification: Uncertain significance for Muscular dystrophy-dystroglycanopathy (congenital with brain and eye anomalies), type A13. Last evaluated: 2021-09-01. Review status: criteria provided, single submitter. Criteria: Invitae Variant Classification Sherloc (09022015). Collection method: clinical testing. Allele origin: germline.
Comment: This sequence change replaces phenylalanine with leucine at codon 328 of the B4GAT1 protein (p.Phe328Leu). The phenylalanine residue is highly conserved and there is a small physicochemical difference between phenylalanine and leucine. This variant is present in population databases (rs368961025, ExAC 0.006%). This variant has not been reported in the literature in individuals affected with B4GAT1-related conditions. Algorithms developed to predict the effect of missense changes on protein structure and function are either unavailable or do not agree on the potential impact of this missense change (SIFT: "Tolerated"; PolyPhen-2: "Probably Damaging"; Align-GVGD: "Class C0"). Algorithms developed to predict the effect of sequence changes on RNA splicing suggest that this variant may create or strengthen a splice site. In summary, the available evidence is currently insufficient to determine the role of this variant in disease. Therefore, it has been classified as a Variant of Uncertain Significance.

GeneDx
Classification: Uncertain significance. Last evaluated: 2019-10-10. Review status: criteria provided, single submitter. Criteria: GeneDx Variant Classification Process June 2021. Collection method: clinical testing. Allele origin: germline. Affected: yes.
Comment: Not observed at a significant frequency in large population cohorts (Lek et al., 2016); The majority of missense variants in this gene are considered pathogenic (Stenson et al., 2014); In silico analysis, which includes protein predictors and evolutionary conservation, supports a deleterious effect; Has not been previously published as pathogenic or benign to our knowledge